The following is an entry in ClinVar:

ClinVar aggregate classification (germline): Conflicting classifications of pathogenicity. Review status: criteria provided, conflicting classifications (1 of 4 stars). 3 submissions from 3 submitters: Uncertain significance (2); Likely benign (1). Last evaluated 2025-12-20.

Allele frequency attached by ClinVar (database versions not stated): TOPMed 0.00005.
gnomAD v4.1: 41 of 1,613,354 alleles (0.0025%); highest among the groups gnomAD compares: Non-Finnish European, 0.0035%; no homozygotes.

Submissions (3):

Labcorp Genetics (formerly Invitae), Labcorp
Classification: Uncertain significance. Last evaluated: 2025-12-20. Review status: criteria provided, single submitter. Criteria: Invitae Variant Classification Sherloc (09022015). Collection method: clinical testing. Allele origin: germline.
Comment: This sequence change replaces alanine, which is neutral and non-polar, with glycine, which is neutral and non-polar, at codon 3 of the DGUOK protein (p.Ala3Gly). This variant is present in population databases (rs781275867, gnomAD 0.003%). This variant has not been reported in the literature in individuals affected with DGUOK-related conditions. ClinVar contains an entry for this variant (Variation ID: 214281). Invitae Evidence Modeling of protein sequence and biophysical properties (such as structural, functional, and spatial information, amino acid conservation, physicochemical variation, residue mobility, and thermodynamic stability) indicates that this missense variant is not expected to disrupt DGUOK protein function with a negative predictive value of 95%. In summary, the available evidence is currently insufficient to determine the role of this variant in disease. Therefore, it has been classified as a Variant of Uncertain Significance.

Mayo Clinic Laboratories, Mayo Clinic
Classification: Uncertain significance. Last evaluated: 2021-07-19. Review status: criteria provided, single submitter. Criteria: ACMG Guidelines, 2015. Collection method: clinical testing. Allele origin: germline.

GeneDx
Classification: Likely benign. Last evaluated: 2014-04-02. Review status: criteria provided, single submitter. Criteria: GeneDx Variant Classification (06012015). Collection method: clinical testing. Allele origin: germline. Affected: yes.
Comment: This variant is considered likely benign or benign based on one or more of the following criteria: it is a conservative change, it occurs at a poorly conserved position in the protein, it is predicted to be benign by multiple in silico algorithms, and/or has population frequency not consistent with disease.

NM_080916.3(DGUOK):c.8C>G (p.Ala3Gly)

Genes: DGUOK (deoxyguanosine kinase; plus strand), LOC129934096 (ATAC-STARR-seq lymphoblastoid active region 16036; plus strand). Cytogenetic location: 2p13.1.
Variant type: single nucleotide variant.
Coding change: c.8C>G on transcript NM_080916.3 (MANE Select); coding-DNA position 8, C replaced by G.
Protein change: p.Ala3Gly; replaces alanine 3 with glycine.
Molecular consequence: missense variant. On other transcripts: 5 prime UTR variant (4), non-coding transcript variant (6).
Genome position (GRCh38, 1-based): chr2:73,926,918, C>G. VCF-style: chr2-73926918-C-G. GRCh37 (hg19) VCF-style: chr2-74154045-C-G.
Other names: p.A3G:GCG>GGG; p.Ala3Gly; c.8C>G, p.Ala3Gly (NM_001318859.2, NM_080918.3); c.-171C>G (NM_001318860.2, NM_001318863.2); c.-257C>G (NM_001318861.2, NM_001318862.2); short protein forms A3G.
Identifiers: ClinVar variation 214281 (VCV000214281.9), dbSNP rs781275867, ClinGen allele CA323749.